The following is an entry in ClinVar:

NM_015474.4(SAMHD1):c.855G>A (p.Trp285Ter)

Gene: SAMHD1 (SAM and HD domain containing deoxynucleoside triphosphate triphosphohydrolase 1; minus strand). Cytogenetic location: 20q11.23.
Variant type: single nucleotide variant.
Coding change: c.855G>A on transcript NM_015474.4 (MANE Select); coding-DNA position 855, G replaced by A.
Protein change: p.Trp285Ter; replaces tryptophan 285 with a stop codon.
Molecular consequence: nonsense.
Genome position (GRCh38, 1-based): chr20:36,917,047, C>T on the plus strand (G>A on the coding strand, the complement: SAMHD1 is on the minus strand). VCF-style: chr20-36917047-C-T. GRCh37 (hg19) VCF-style: chr20-35545450-C-T.
Other names: c.855G>A, p.Trp285Ter (NM_001363729.2, NM_001363733.2); short protein forms W285*.
Identifiers: ClinVar variation 2865728 (VCV002865728.3), dbSNP rs756338119, ClinGen allele CA408845755.

ClinVar aggregate classification (germline): Pathogenic (1 of 4 stars; one submission).

Conditions:
Aicardi-Goutieres syndrome 5. Identifiers: Orphanet 51, MedGen C2749659, MONDO:0013059, OMIM 612952.

Submission:

Labcorp Genetics (formerly Invitae), Labcorp
Classification: Pathogenic for Aicardi-Goutieres syndrome 5. Last evaluated: 2023-05-19. Review status: criteria provided, single submitter. Criteria: Invitae Variant Classification Sherloc (09022015). Collection method: clinical testing. Allele origin: germline.
Comment: For these reasons, this variant has been classified as Pathogenic. This variant has not been reported in the literature in individuals affected with SAMHD1-related conditions. This variant is not present in population databases (gnomAD no frequency). This sequence change creates a premature translational stop signal (p.Trp285*) in the SAMHD1 gene. It is expected to result in an absent or disrupted protein product. Loss-of-function variants in SAMHD1 are known to be pathogenic (PMID: 19525956, 22461318).

Literature cited by the submitters: PubMed 19525956; PubMed 22461318.